The following is an entry in ClinVar:

ClinVar aggregate classification (germline): Pathogenic/Likely pathogenic. Review status: criteria provided, multiple submitters, no conflicts (2 of 4 stars). 3 submissions from 3 submitters: Pathogenic (1); Likely pathogenic (2). Last evaluated 2025-12-19.

Conditions:
Niemann-Pick disease, type C1. Also called: NEUROVISCERAL STORAGE DISEASE WITH VERTICAL SUPRANUCLEAR OPHTHALMOPLEGIA; NIEMANN-PICK DISEASE WITH CHOLESTEROL ESTERIFICATION BLOCK; NIEMANN-PICK DISEASE WITHOUT SPHINGOMYELINASE DEFICIENCY; NIEMANN-PICK DISEASE, CHRONIC NEURONOPATHIC FORM; NIEMANN-PICK DISEASE, VARIANT TYPE C1. Identifiers: Orphanet 646, MedGen C3179455, MONDO:0009757, OMIM 257220.

Submissions (3):

Natera, Inc.
Classification: Likely pathogenic for Niemann-Pick disease type C1. Last evaluated: 2025-12-19. Review status: criteria provided, single submitter. Criteria: Natera Variant Classification Schema (03/2026). Collection method: clinical testing. Allele origin: germline.
Comment: The c.2604+1G>A variant in NPC1 is a canonical splice donor site variant predicted to affect pre-mRNA splicing, which may result in an abnormal transcript and altered protein product. This variant is expected to result in nonsense mediated decay, truncation, or a dysfunctional protein product. This variant is rare in the general population with a frequency below the threshold expected for the associated phenotype(s). Given the available evidence, this variant is classified as Likely Pathogenic.

Labcorp Genetics (formerly Invitae), Labcorp
Classification: Likely pathogenic for Niemann-Pick disease, type C1. Last evaluated: 2022-06-08. Review status: criteria provided, single submitter. Criteria: Invitae Variant Classification Sherloc (09022015). Collection method: clinical testing. Allele origin: germline.
Comment: This sequence change affects a donor splice site in intron 17 of the NPC1 gene. It is expected to disrupt RNA splicing. Variants that disrupt the donor or acceptor splice site typically lead to a loss of protein function (PMID: 16199547), and loss-of-function variants in NPC1 are known to be pathogenic (PMID: 9211850). This variant is not present in population databases (gnomAD no frequency). This variant has not been reported in the literature in individuals affected with NPC1-related conditions. ClinVar contains an entry for this variant (Variation ID: 501356). Algorithms developed to predict the effect of sequence changes on RNA splicing suggest that this variant may disrupt the consensus splice site. In summary, the currently available evidence indicates that the variant is pathogenic, but additional data are needed to prove that conclusively. Therefore, this variant has been classified as Likely Pathogenic.

Eurofins Ntd Llc (ga)
Classification: Pathogenic. Last evaluated: 2017-04-10. Review status: criteria provided, single submitter. Criteria: EGL Classification Definitions 2015. Collection method: clinical testing. Allele origin: germline. Observed: 1 variant allele, 1 heterozygote.

Literature cited by the submitters: PubMed 16199547 (cited by Labcorp Genetics (formerly Invitae), Labcorp); PubMed 9211850 (cited by Labcorp Genetics (formerly Invitae), Labcorp).

NM_000271.5(NPC1):c.2604+1G>A

Gene: NPC1 (NPC intracellular cholesterol transporter 1; minus strand). Cytogenetic location: 18q11.2.
Variant type: single nucleotide variant.
Coding change: c.2604+1G>A on transcript NM_000271.5 (MANE Select); the canonical splice donor site of the intron after coding-DNA position 2604, G replaced by A.
Molecular consequence: splice donor variant.
Genome position (GRCh38, 1-based): chr18:23,540,447, C>T on the plus strand (G>A on the coding strand, the complement: NPC1 is on the minus strand). VCF-style: chr18-23540447-C-T. GRCh37 (hg19) VCF-style: chr18-21120411-C-T.
Identifiers: ClinVar variation 501356 (VCV000501356.11), dbSNP rs1555633454, ClinGen allele CA401793063.
Genomic context (GRCh38, chr18:23,540,447, plus strand): 5'-AAAAATGTATTCATCATCAGCTAAAGAAGTTAAAAAAAAAAAAAAAAGGAAGTCATCTTA[C>T]ATCTGGCATCGAAAGAGACTGATCCAATCCAATATCTACTTTGTTCAGGACTGCGATGCT-3'